The following is an entry in ClinVar:

NM_001367484.1(GLIS1):c.697C>T (p.Pro233Ser)

Gene: GLIS1 (GLIS family zinc finger 1; minus strand). Cytogenetic location: 1p32.3.
Variant type: single nucleotide variant.
Coding change: c.697C>T on transcript NM_001367484.1 (MANE Select); coding-DNA position 697, C replaced by T.
Protein change: p.Pro233Ser; replaces proline 233 with serine.
Molecular consequence: missense variant.
Genome position (GRCh38, 1-based): chr1:53,594,731, G>A on the plus strand (C>T on the coding strand, the complement: GLIS1 is on the minus strand). VCF-style: chr1-53594731-G-A. GRCh37 (hg19) VCF-style: chr1-54060404-G-A.
Other names: c.697C>T, p.Pro233Ser (NM_001390836.1, NM_001390837.1, NM_001390838.1); c.172C>T, p.Pro58Ser (NM_147193.4); short protein forms P58S, P233S.
Identifiers: ClinVar variation 2569763 (VCV002569763.26), dbSNP rs61741984, ClinGen allele CA861443.

ClinVar aggregate classification (germline): Conflicting classifications of pathogenicity. Review status: criteria provided, conflicting classifications (1 of 4 stars). 2 submissions from 2 submitters: Uncertain significance (1); Likely benign (1). Last evaluated 2025-05-04.

Allele frequency attached by ClinVar (database versions not stated): 1000 Genomes Project 30x 0.00031; ESP Exome Variant Server 0.00039; 1000 Genomes Project 0.00040; gnomAD exomes 0.00058; gnomAD 0.00072; ExAC 0.00101; TOPMed 0.00113.
gnomAD v4.1: 979 of 1,570,412 alleles (0.062%); highest among the groups gnomAD compares: Middle Eastern, 1.5%; 8 homozygotes.

Submissions (2):

Ambry Genetics
Classification: Uncertain significance. Last evaluated: 2025-05-04. Review status: criteria provided, single submitter. Criteria: Ambry Variant Classification Scheme 2023. Collection method: clinical testing. Allele origin: germline.

CeGaT Center for Human Genetics Tuebingen
Classification: Likely benign. Last evaluated: 2023-02-01. Review status: criteria provided, single submitter. Criteria: CeGaT Center For Human Genetics Tuebingen Variant Classification Criteria Version 2. Collection method: clinical testing. Allele origin: germline. Affected: yes. Observed: 1 variant allele.
Comment: GLIS1: BP4